The following is an entry in ClinVar:

NM_145290.4(ADGRA3):c.1925G>A (p.Arg642His)

Gene: ADGRA3 (adhesion G protein-coupled receptor A3; minus strand). Cytogenetic location: 4p15.2.
Variant type: single nucleotide variant.
Coding change: c.1925G>A on transcript NM_145290.4 (MANE Select); coding-DNA position 1925, G replaced by A.
Protein change: p.Arg642His; replaces arginine 642 with histidine.
Molecular consequence: missense variant.
Genome position (GRCh38, 1-based): chr4:22,413,699, C>T on the plus strand (G>A on the coding strand, the complement: ADGRA3 is on the minus strand). VCF-style: chr4-22413699-C-T. GRCh37 (hg19) VCF-style: chr4-22415322-C-T.
Other names: short protein forms R642H.
Identifiers: ClinVar variation 3617931 (VCV003617931.2).

ClinVar aggregate classification (germline): Uncertain significance (1 of 4 stars; one submission).

gnomAD v4.1: 18 of 1,613,608 alleles (0.0011%); highest among the groups gnomAD compares: South Asian, 0.0055%; 1 homozygote.

Submission:

Labcorp Genetics (formerly Invitae), Labcorp
Classification: Uncertain significance. Last evaluated: 2024-09-29. Review status: criteria provided, single submitter. Criteria: Invitae Variant Classification Sherloc (09022015). Collection method: clinical testing. Allele origin: germline.
Comment: This sequence change replaces arginine, which is basic and polar, with histidine, which is basic and polar, at codon 642 of the ADGRA3 protein (p.Arg642His). This variant is present in population databases (rs750505698, gnomAD 0.01%). This variant has not been reported in the literature in individuals affected with ADGRA3-related conditions. An algorithm developed to predict the effect of missense changes on protein structure and function (PolyPhen-2) suggests that this variant is likely to be tolerated. In summary, the available evidence is currently insufficient to determine the role of this variant in disease. Therefore, it has been classified as a Variant of Uncertain Significance.